The following is an entry in ClinVar:

NM_201384.3(PLEC):c.1236G>A (p.Leu412=)

Genes: PLEC (plectin; minus strand), LOC130001334 (ATAC-STARR-seq lymphoblastoid silent region 19628; plus strand). Cytogenetic location: 8q24.3.
Variant type: single nucleotide variant.
Coding change: c.1236G>A on transcript NM_201384.3 (MANE Select); coding-DNA position 1236, G replaced by A.
Protein change: p.Leu412=; no amino-acid change (leucine 412 retained).
Molecular consequence: synonymous variant.
Genome position (GRCh38, 1-based): chr8:143,934,025, C>T on the plus strand (G>A on the coding strand, the complement: PLEC is on the minus strand). VCF-style: chr8-143934025-C-T. GRCh37 (hg19) VCF-style: chr8-145008193-C-T.
Other names: p.Leu398=; c.1317G>A, p.Leu439= (NM_000445.5); c.1194G>A, p.Leu398= (NM_201378.4); c.1170G>A, p.Leu390= (NM_201379.3); c.1647G>A, p.Leu549= (NM_201380.4); c.1140G>A, p.Leu380= (NM_201381.3); c.1236G>A, p.Leu412= (NM_201382.4); c.1248G>A, p.Leu416= (NM_201383.3).
Identifiers: ClinVar variation 471538 (VCV000471538.39), dbSNP rs190791617, ClinGen allele CA4928095.

ClinVar aggregate classification (germline): Benign/Likely benign. Review status: criteria provided, multiple submitters, no conflicts (2 of 4 stars). 6 submissions from 6 submitters: Benign (5); Likely benign (1). Last evaluated 2026-09-01.

Conditions:
Epidermolysis bullosa simplex 5C, with pyloric atresia (EBS5C). Also called: PLEC-Related Epidermolysis Bullosa with Pyloric Atresia; PLEC1-Related Epidermolysis Bullosa with Pyloric Atresia; Epidermolysis bullosa simplex with pyloric atresia. Identifiers: Orphanet 158684, MedGen C2677349, MONDO:0012807, OMIM 612138.
Autosomal recessive limb-girdle muscular dystrophy type 2Q (LGMDR17). Also called: MUSCULAR DYSTROPHY, LIMB-GIRDLE, AUTOSOMAL RECESSIVE 17. Identifiers: Orphanet 254361, MedGen C3150989, MONDO:0013390, OMIM 613723.
Epidermolysis bullosa simplex with nail dystrophy (EBS5D). Identifiers: MedGen C4225309, MONDO:0014661, OMIM 616487.
Epidermolysis bullosa simplex, Ogna type (EBS5A). Also called: Pidermolysis bullosa simplex 5A, Ogna type; EPIDERMOLYSIS BULLOSA SIMPLEX 5A, OGNA TYPE. Identifiers: Orphanet 79401, MedGen C0432317, MONDO:0007555, OMIM 131950.
Epidermolysis bullosa simplex 5B, with muscular dystrophy (EBS5B). Also called: EPIDERMOLYSIS BULLOSA SIMPLEX AND LIMB-GIRDLE MUSCULAR DYSTROPHY; Epidermolysis bullosa simplex with muscular dystrophy. Identifiers: Orphanet 257, MedGen C2931072, MONDO:0009181, OMIM 226670.

Allele frequency attached by ClinVar (database versions not stated): gnomAD exomes 0.00044 and 0.00107; ExAC 0.00152; ESP Exome Variant Server 0.00414; gnomAD 0.00414 and 0.00443; TOPMed 0.00479; 1000 Genomes Project 30x 0.00515; 1000 Genomes Project 0.00539.
gnomAD v4.1: 1,302 of 1,610,764 alleles (0.081%); highest among the groups gnomAD compares: African/African-American, 1.5%; 6 homozygotes.

Submissions (6):

CeGaT Center for Human Genetics Tuebingen
Classification: Likely benign. Last evaluated: 2026-09-01. Review status: criteria provided, single submitter. Criteria: CeGaT Center For Human Genetics Tuebingen Variant Classification Criteria Version 2. Collection method: clinical testing. Allele origin: germline. Affected: yes. Observed: 3 variant alleles.
Comment: PLEC: BP4, BP7, BS1

Labcorp Genetics (formerly Invitae), Labcorp
Classification: Benign for Autosomal recessive limb-girdle muscular dystrophy type 2Q; Epidermolysis bullosa simplex, Ogna type; Epidermolysis bullosa simplex with nail dystrophy; Epidermolysis bullosa simplex 5C, with pyloric atresia; Epidermolysis bullosa simplex 5B, with muscular dystrophy. Last evaluated: 2026-01-26. Review status: criteria provided, single submitter. Criteria: Invitae Variant Classification Sherloc (09022015). Collection method: clinical testing. Allele origin: germline.

Mayo Clinic Laboratories, Mayo Clinic
Classification: Benign. Last evaluated: 2018-11-19. Review status: criteria provided, single submitter. Criteria: ACMG Guidelines, 2015. Collection method: clinical testing. Allele origin: germline. Observed: 7 variant alleles.

GeneDx
Classification: Benign. Last evaluated: 2018-02-16. Review status: criteria provided, single submitter. Criteria: GeneDx Variant Classification (06012015). Collection method: clinical testing. Allele origin: germline. Affected: yes.
Comment: This variant is considered likely benign or benign based on one or more of the following criteria: it is a conservative change, it occurs at a poorly conserved position in the protein, it is predicted to be benign by multiple in silico algorithms, and/or has population frequency not consistent with disease.

Athena Diagnostics
Classification: Benign. Last evaluated: 2017-11-10. Review status: criteria provided, single submitter. Criteria: Athena Diagnostics Criteria. Collection method: clinical testing. Allele origin: germline.

Breakthrough Genomics
Classification: Benign. Review status: criteria provided, single submitter. Criteria: ACMG Guidelines, 2015. Collection method: not provided. Allele origin: germline. Inheritance: Autosomal recessive inheritance. Affected: yes.